The following is an entry in ClinVar:

NM_001276345.2(TNNT2):c.638C>A (p.Thr213Asn)

Gene: TNNT2 (troponin T2, cardiac type; minus strand). Cytogenetic location: 1q32.1.
Variant type: single nucleotide variant.
Coding change: c.638C>A on transcript NM_001276345.2 (MANE Select); coding-DNA position 638, C replaced by A.
Protein change: p.Thr213Asn; replaces threonine 213 with asparagine.
Molecular consequence: missense variant.
Genome position (GRCh38, 1-based): chr1:201,361,994, G>T on the plus strand (C>A on the coding strand, the complement: TNNT2 is on the minus strand). VCF-style: chr1-201361994-G-T. GRCh37 (hg19) VCF-style: chr1-201331122-G-T.
Other names: c.629C>A, p.Thr210Asn (NM_000364.4); c.608C>A, p.Thr203Asn (NM_001001430.3, NM_001276347.2); c.599C>A, p.Thr200Asn (NM_001001431.3); c.590C>A, p.Thr197Asn (NM_001001432.3); c.509C>A, p.Thr170Asn (NM_001276346.2); short protein forms T203N, T210N, T170N, T200N, T197N, T213N.
Identifiers: ClinVar variation 496077 (VCV000496077.8), dbSNP rs397516476, ClinGen allele CA344203885.

ClinVar aggregate classification (germline): Conflicting classifications of pathogenicity. Review status: criteria provided, conflicting classifications (1 of 4 stars). 2 submissions from 2 submitters: Likely pathogenic (1); Uncertain significance (1). Last evaluated 2021-05-14.

Conditions:
Cardiomyopathy, familial restrictive, 3. Identifiers: Orphanet 75249, MedGen C2676271, MONDO:0012900, OMIM 612422.
Hypertrophic cardiomyopathy 2. Also called: TNNT2-Related Familial Hypertrophic Cardiomyopathy. Identifiers: MedGen C1861864, MONDO:0007266, OMIM 115195.
Dilated cardiomyopathy 1D. Identifiers: Orphanet 154, Orphanet 54260, MedGen C1832243, MONDO:0011095, OMIM 601494.

Submissions (2):

Labcorp Genetics (formerly Invitae), Labcorp
Classification: Likely pathogenic for Cardiomyopathy, familial restrictive, 3; Hypertrophic cardiomyopathy 2; Dilated cardiomyopathy 1D. Last evaluated: 2021-05-14. Review status: criteria provided, single submitter. Criteria: Invitae Variant Classification Sherloc (09022015). Collection method: clinical testing. Allele origin: germline.
Comment: This variant is not present in population databases (ExAC no frequency). This sequence change replaces threonine with asparagine at codon 203 of the TNNT2 protein (p.Thr203Asn). The threonine residue is moderately conserved and there is a small physicochemical difference between threonine and asparagine. This variant has been observed in individual(s) with dilated cardiomyopathy (Invitae). In at least one individual the variant was observed to be de novo. ClinVar contains an entry for this variant (Variation ID: 496077). In summary, the currently available evidence indicates that the variant is pathogenic, but additional data are needed to prove that conclusively. Therefore, this variant has been classified as Likely Pathogenic. Algorithms developed to predict the effect of missense changes on protein structure and function are either unavailable or do not agree on the potential impact of this missense change (SIFT: "Tolerated"; PolyPhen-2: "Possibly Damaging"; Align-GVGD: "Class C0").

Women's Health and Genetics/Laboratory Corporation of America, LabCorp
Classification: Uncertain significance. Last evaluated: 2016-11-28. Review status: criteria provided, single submitter. Criteria: LabCorp Variant Classification Summary - May 2015. Collection method: clinical testing. Allele origin: germline.
Comment: Variant summary: The TNNT2 c.608C>A (p.Thr203Asn) variant involves the alteration of a conserved nucleotide. 5/5 in silico tools predict a damaging outcome for this variant. This variant is absent in 121384 control chromosomes. The variant of interest has not, to our knowledge, been reported in affected individuals via publications and/or reputable databases/clinical diagnostic laboratories; nor was it evaluated for functional impact by in vivo/vitro studies. due to the absence of clinical information and lack of functional studies, the variant is classified as a variant of uncertain significance (VUS) until additional information becomes available.